The following is an entry in ClinVar:

NM_002528.6(NTHL1):c.1A>G (p.Met1Val)

Genes: NTHL1 (nth like DNA glycosylase 1; minus strand), LOC130058209 (ATAC-STARR-seq lymphoblastoid active region 10253; plus strand). Cytogenetic location: 16p13.3.
Variant type: single nucleotide variant.
Coding change: c.1A>G on transcript NM_002528.6; coding-DNA position 1, A replaced by G.
Protein change: p.Met1Val; changes the start codon (methionine 1).
Genome position (GRCh38, 1-based): chr16:2,047,847, T>C on the plus strand (A>G on the coding strand, the complement: NTHL1 is on the minus strand). VCF-style: chr16-2047847-T-C. GRCh37 (hg19) VCF-style: chr16-2097848-T-C.
Other names: short protein forms M1V.
Identifiers: ClinVar variation 655408 (VCV000655408.11), dbSNP rs768487735, ClinGen allele CA027622.

ClinVar aggregate classification (germline): Uncertain significance. Review status: criteria provided, multiple submitters, no conflicts (2 of 4 stars). 2 submissions from 2 submitters: Uncertain significance (2). Last evaluated 2025-12-23.

Conditions:
Hereditary cancer-predisposing syndrome. Also called: Tumor predisposition; Hereditary neoplastic syndrome; Neoplastic Syndromes, Hereditary; Hereditary Cancer Syndrome. Identifiers: Orphanet 140162, MedGen C0027672, MeSH D009386, MONDO:0015356.

Allele frequency attached by ClinVar (database versions not stated): gnomAD exomes below 0.00001; ExAC 0.00002.

Submissions (2):

Labcorp Genetics (formerly Invitae), Labcorp
Classification: Uncertain significance. Last evaluated: 2025-12-23. Review status: criteria provided, single submitter. Criteria: Invitae Variant Classification Sherloc (09022015). Collection method: clinical testing. Allele origin: germline.
Comment: This sequence change affects the initiator codon of the NTHL1 mRNA. This change may impact translation initiation or efficiency. The next in-frame methionine is located at codon 9. This variant is not present in population databases (gnomAD no frequency). This variant has not been reported in the literature in individuals affected with NTHL1-related conditions. ClinVar contains an entry for this variant (Variation ID: 655408). In summary, the available evidence is currently insufficient to determine the role of this variant in disease. Therefore, it has been classified as a Variant of Uncertain Significance.

Ambry Genetics
Classification: Uncertain significance for Hereditary cancer-predisposing syndrome. Last evaluated: 2024-09-23. Review status: criteria provided, single submitter. Criteria: Ambry Variant Classification Scheme 2023. Collection method: clinical testing. Allele origin: germline.
Comment: The p.M1? variant (also known as c.1A>G) is located in coding exon 1 of the NTHL1 gene and results from a A to G substitution at nucleotide position 1. This alters the methionine residue at the initiation codon. A p.M1? variant has been identified in conjunction with a pathogenic NTHL1 variant (p.Q90*) in at least one individual with no reported features of NTHL1-related adenomatous polyposis (Weatherill CB et al. Clin Genet, 2023 Feb;103:231-235). Variations that modify the initiation codon (ATG) are expected to result in either loss of translation initiation, N-terminal truncation, or cause a shift in the mRNA reading frame; however, there is an in-frame methionine 8 amino acids from the initiation site, which may result in N-terminal truncation of unknown functional significance. Since supporting evidence is limited at this time, the clinical significance of this alteration remains unclear.

Literature cited by the submitters: PubMed 36196035 (cited by Ambry Genetics).